The following is an entry in ClinVar:

ClinVar aggregate classification (germline): Uncertain significance (1 of 4 stars; one submission).

Conditions:
Epileptic encephalopathy. Identifiers: MedGen C0543888, HP:0200134.

Allele frequency attached by ClinVar (database versions not stated): gnomAD exomes below 0.00001; gnomAD 0.00001.
gnomAD v4.1: 6 of 1,613,624 alleles (0.00037%); highest among the groups gnomAD compares: East Asian, 0.0022%; no homozygotes.

Submission:

Labcorp Genetics (formerly Invitae), Labcorp
Classification: Uncertain significance for Epileptic encephalopathy. Last evaluated: 2024-04-10. Review status: criteria provided, single submitter. Criteria: Invitae Variant Classification Sherloc (09022015). Collection method: clinical testing. Allele origin: germline.
Comment: This sequence change replaces arginine, which is basic and polar, with histidine, which is basic and polar, at codon 2095 of the RYR3 protein (p.Arg2095His). This variant is present in population databases (no rsID available, gnomAD 0.01%). This variant has not been reported in the literature in individuals affected with RYR3-related conditions. ClinVar contains an entry for this variant (Variation ID: 1051172). Advanced modeling of protein sequence and biophysical properties (such as structural, functional, and spatial information, amino acid conservation, physicochemical variation, residue mobility, and thermodynamic stability) performed at Invitae indicates that this missense variant is not expected to disrupt RYR3 protein function with a negative predictive value of 80%. In summary, the available evidence is currently insufficient to determine the role of this variant in disease. Therefore, it has been classified as a Variant of Uncertain Significance.

NM_001036.6(RYR3):c.6284G>A (p.Arg2095His)

Gene: RYR3 (ryanodine receptor 3; plus strand). Cytogenetic location: 15q14.
Variant type: single nucleotide variant.
Coding change: c.6284G>A on transcript NM_001036.6 (MANE Select); coding-DNA position 6284, G replaced by A.
Protein change: p.Arg2095His; replaces arginine 2095 with histidine.
Molecular consequence: missense variant.
Genome position (GRCh38, 1-based): chr15:33,699,738, G>A. VCF-style: chr15-33699738-G-A. GRCh37 (hg19) VCF-style: chr15-33991939-G-A.
Other names: c.6284G>A, p.Arg2095His (NM_001243996.4); short protein forms R2095H.
Identifiers: ClinVar variation 1051172 (VCV001051172.10), dbSNP rs1187202458, ClinGen allele CA391583623.